The following is an entry in ClinVar:

Conditions:
Breast-ovarian cancer, familial, susceptibility to, 1 (BROVCA1). Also called: BRCA1 Hereditary Breast and Ovarian Cancer; OVARIAN CANCER, SUSCEPTIBILITY TO. Identifiers: Orphanet 145, MedGen C2676676, MONDO:0011450, OMIM 604370. Disease mechanism: loss of function.

Submission:

Brotman Baty Institute, University of Washington
No classification provided (evidence only). Condition: Breast-ovarian cancer, familial 1. Review status: no classification provided. Collection method: in vitro. Allele origin: not applicable. Functional consequence: functionally_normal.
ClinVar note: "not provided" was previously submitted as the classification for the variant. However, the classification appeared to be based only on an observation of functional data so it was converted to no classification on 2025-07-30.

NM_007294.4(BRCA1):c.5193+18C>A

Gene: BRCA1 (BRCA1 DNA repair associated; minus strand). Cytogenetic location: 17q21.31.
Variant type: single nucleotide variant.
Coding change: c.5193+18C>A on transcript NM_007294.4 (MANE Select); 18 bases into the intron after coding-DNA position 5193, C replaced by A.
Molecular consequence: intron variant.
Genome position (GRCh38, 1-based): chr17:43,063,315, G>T on the plus strand (C>A on the coding strand, the complement: BRCA1 is on the minus strand). VCF-style: chr17-43063315-G-T. GRCh37 (hg19) VCF-style: chr17-41215332-G-T.
Other names: c.1764+18C>A (NM_001408423.1, NM_001408421.1, NM_001408424.1 and 1 more transcripts); c.1767+18C>A (NM_001408420.1, NM_001408419.1, NM_001408418.1); c.1878+18C>A (NM_001408404.1, NM_001408402.1, NM_001408473.1 and 8 more transcripts); c.1881+18C>A (NM_001408472.1, NM_001407990.1, NM_007299.4 and 12 more transcripts); c.1884+18C>A (NM_001407974.1, NM_001407973.1, NM_001407975.1 and 3 more transcripts); c.2586+18C>A (NM_001407969.1); c.2589+18C>A (NM_001407968.1); c.5187+18C>A (NM_001407640.1, NM_001407631.1, NM_001407638.1 and 14 more transcripts); and 72 more.
Identifiers: ClinVar variation 867479 (VCV000867479.3), dbSNP rs2051849852, ClinGen allele CA916079999.